The following is an entry in ClinVar:

ClinVar aggregate classification (germline): Pathogenic. Review status: criteria provided, multiple submitters, no conflicts (2 of 4 stars). 4 submissions from 4 submitters: Pathogenic (3). 1 of the submissions does not count toward it. Last evaluated 2025-01-16.

Conditions:
STAR-related disorder. Also called: STAR-related condition.
Congenital lipoid adrenal hyperplasia due to STAR deficency. Also called: Lipoid adrenal hyperplasia; Cholesterol monooxygenase (side-chain cleaving) deficiency; Congenital Lipoid Adrenal Hyperplasia; ADRENAL HYPERPLASIA I. Identifiers: Orphanet 418, Orphanet 90790, MedGen C0342474, MONDO:0008725, OMIM 201710.

Submissions (4):

Natera, Inc.
Classification: Pathogenic for Congenital lipoid adrenal hyperplasia. Last evaluated: 2025-01-16. Review status: criteria provided, single submitter. Criteria: Natera Variant Classification Schema (03/2026). Collection method: clinical testing. Allele origin: germline.
Comment: The c.695delG variant in STAR is a frameshift variant predicted to elongate the protein beyond the termination codon. This variant is expected to result in nonsense mediated decay, truncation, or a dysfunctional protein product. This variant is rare in the general population with a frequency below the threshold expected for the associated phenotype(s). This variant has been observed in one or more individuals affected with the associated recessive disease, as either homozygous or compound heterozygous with a second variant (PMID: 26827627). Given the available evidence, this variant is classified as Pathogenic.

PreventionGenetics, part of Exact Sciences
Classification: Pathogenic for STAR-related condition. Last evaluated: 2024-10-25. Review status: criteria provided, single submitter. Criteria: ACMG Guidelines, 2015. Collection method: clinical testing. Allele origin: germline.
Comment: The STAR c.695delG variant is predicted to result in a frameshift and premature protein termination (p.Gly232Glufs*89). This variant has been reported in the compound heterozygous state in individuals with congenital lipoid adrenal hyperplasia (Huang et al. 2016. PubMed ID: 26827627; Zhang et al. 2021. PubMed ID: 33227378). This variant is reported in 0.0029% of alleles in individuals of Latino descent in gnomAD. Frameshift variants in STAR are expected to be pathogenic. This variant is interpreted as pathogenic.

Labcorp Genetics (formerly Invitae), Labcorp
Classification: Pathogenic. Last evaluated: 2023-08-07. Review status: criteria provided, single submitter. Criteria: Invitae Variant Classification Sherloc (09022015). Collection method: clinical testing. Allele origin: germline.
Comment: This sequence change creates a premature translational stop signal (p.Gly232Glufs*89) in the STAR gene. While this is not anticipated to result in nonsense mediated decay, it is expected to disrupt the last 54 amino acid(s) of the STAR protein. This variant is present in population databases (rs757367795, gnomAD 0.003%). This premature translational stop signal has been observed in individual(s) with congenital adrenal hyperplasia (PMID: 26827627). In at least one individual the data is consistent with being in trans (on the opposite chromosome) from a pathogenic variant. ClinVar contains an entry for this variant (Variation ID: 558205). This variant disrupts a region of the STAR protein in which other variant(s) (p.Gln258*) have been determined to be pathogenic (PMID: 8948562, 9097960, 22028173, 28467518). This suggests that this is a clinically significant region of the protein, and that variants that disrupt it are likely to be disease-causing. For these reasons, this variant has been classified as Pathogenic.

Counsyl
Classification: Likely pathogenic for Congenital lipoid adrenal hyperplasia due to STAR deficency. Last evaluated: 2018-05-06. Review status: no assertion criteria provided. Collection method: clinical testing. Allele origin: unknown. Not counted in ClinVar's aggregate classification.

Literature cited by the submitters: PubMed 26827627 (cited by 3 submitters); PubMed 8948562 (cited by Labcorp Genetics (formerly Invitae), Labcorp); PubMed 9097960 (cited by Labcorp Genetics (formerly Invitae), Labcorp); PubMed 22028173 (cited by Labcorp Genetics (formerly Invitae), Labcorp); PubMed 28467518 (cited by Labcorp Genetics (formerly Invitae), Labcorp); PubMed 7892608 (cited by Counsyl).

NM_000349.3(STAR):c.695del (p.Gly232fs)

Gene: STAR (steroidogenic acute regulatory protein; minus strand). Cytogenetic location: 8p11.23.
Variant type: Deletion.
Coding change: c.695del on transcript NM_000349.3 (MANE Select); coding-DNA position 695, one base deleted (G; older notation c.695delG).
Protein change: p.Gly232fs; shifts the reading frame from glycine 232.
Molecular consequence: frameshift variant.
Genome position (GRCh38, 1-based): chr8:38,145,271, C deleted on the plus strand (G on the coding strand, the reverse complement: STAR is on the minus strand); the first of 2 consecutive C bases (chr8:38,145,271-38,145,272); deleting either gives the same sequence. VCF-style (leftmost placement, unchanged base first): chr8-38145270-TC-T. GRCh37 (hg19) VCF-style: chr8-38002788-TC-T.
Other names: c.695del (NM_000349.2); short protein forms G232fs.
Identifiers: ClinVar variation 558205 (VCV000558205.10), dbSNP rs757367795, ClinGen allele CA4715162.
Genomic context (GRCh38, chr8:38,145,270, plus strand): 5'-CATGCCCTTCACCTTGAGGTCGATGCTGAGTAGCCACGTAAGTTTGGTCTTAGAGGGACT[TC>T]CAGCCAACGGGTGAAGCACCATGCAAGTGGGACCGTGCTCCGCCCTGGCAAATGGAGAAG-3'